The following is an entry in ClinVar:

NM_000350.3(ABCA4):c.215G>T (p.Gly72Val)

Gene: ABCA4 (ATP binding cassette subfamily A member 4; minus strand). Cytogenetic location: 1p22.1.
Variant type: single nucleotide variant.
Coding change: c.215G>T on transcript NM_000350.3 (MANE Select); coding-DNA position 215, G replaced by T.
Protein change: p.Gly72Val; replaces glycine 72 with valine.
Molecular consequence: missense variant.
Genome position (GRCh38, 1-based): chr1:94,111,525, C>A on the plus strand (G>T on the coding strand, the complement: ABCA4 is on the minus strand). VCF-style: chr1-94111525-C-A. GRCh37 (hg19) VCF-style: chr1-94577081-C-A.
Other names: c.215G>T, p.Gly72Val (NM_001425324.1); short protein forms G72V.
Identifiers: ClinVar variation 1356962 (VCV001356962.6), dbSNP rs2101162548, ClinGen allele CA341285532.
Genomic context (GRCh38, chr1:94,111,525, plus strand): 5'-CCAGGAGATTCTCCTGGGGTGGGGCTTTGAAAACAGGGATTGTTCACATTGCAGAAGATC[C>A]CCTGGAGCCACGGCAGCATTCCTGCTGAGGGCATCGCCTTGTTGGGGAAATGGCCTTTAA-3'
Protein context (NP_000341.2, residues 62-82): PSAGMLPWLQ[Gly72Val]IFCNVNNPCF

ClinVar aggregate classification (germline): Pathogenic (1 of 4 stars; one submission).

Submission:

Labcorp Genetics (formerly Invitae), Labcorp
Classification: Pathogenic. Last evaluated: 2024-12-02. Review status: criteria provided, single submitter. Criteria: Invitae Variant Classification Sherloc (09022015). Collection method: clinical testing. Allele origin: germline.
Comment: This sequence change replaces glycine, which is neutral and non-polar, with valine, which is neutral and non-polar, at codon 72 of the ABCA4 protein (p.Gly72Val). This variant is not present in population databases (gnomAD no frequency). This missense change has been observed in individual(s) with Stargardt disease (PMID: 26780318). ClinVar contains an entry for this variant (Variation ID: 1356962). Invitae Evidence Modeling of protein sequence and biophysical properties (such as structural, functional, and spatial information, amino acid conservation, physicochemical variation, residue mobility, and thermodynamic stability) indicates that this missense variant is expected to disrupt ABCA4 protein function with a positive predictive value of 95%. This variant disrupts the p.Gly72 amino acid residue in ABCA4. Other variant(s) that disrupt this residue have been determined to be pathogenic (PMID: 22264887, 28355279, 29847635, 30834176, 30945053). This suggests that this residue is clinically significant, and that variants that disrupt this residue are likely to be disease-causing. For these reasons, this variant has been classified as Pathogenic.

Literature cited by the submitters: PubMed 26780318; PubMed 22264887; PubMed 28355279; PubMed 29847635; PubMed 30834176; PubMed 30945053.